The following is an entry in ClinVar:

ClinVar aggregate classification (germline): Pathogenic. Review status: criteria provided, multiple submitters, no conflicts (2 of 4 stars). 2 submissions from 2 submitters: Pathogenic (2). Last evaluated 2025-10-28.

Submissions (2):

GeneDx
Classification: Pathogenic. Last evaluated: 2025-10-28. Review status: criteria provided, single submitter. Criteria: GeneDx Variant Classification Process June 2021. Collection method: clinical testing. Allele origin: germline. Affected: yes.
Comment: Nonsense variant predicted to result in protein truncation or nonsense mediated decay in a gene for which loss of function is a known mechanism of disease; Not observed at significant frequency in large population cohorts (gnomAD); This variant is associated with the following publications: (PMID: 33596411)

Tartaglia Lab, Genetics and Rare Diseases Research Division, Bambino Gesu' Children's Hospital
Classification: Pathogenic. Last evaluated: 2020-12-03. Review status: criteria provided, single submitter. Criteria: ACMG Guidelines, 2015. Collection method: research. Allele origin: de novo. Affected: yes. Observed: 1 variant allele.

NM_015001.3(SPEN):c.1603C>T (p.Arg535Ter)

Gene: SPEN (spen family transcriptional repressor; plus strand). Cytogenetic location: 1p36.13.
Variant type: single nucleotide variant.
Coding change: c.1603C>T on transcript NM_015001.3 (MANE Select); coding-DNA position 1603, C replaced by T.
Protein change: p.Arg535Ter; replaces arginine 535 with a stop codon.
Molecular consequence: nonsense.
Genome position (GRCh38, 1-based): chr1:15,919,485, C>T. VCF-style: chr1-15919485-C-T. GRCh37 (hg19) VCF-style: chr1-16245980-C-T.
Other names: short protein forms R535*.
Identifiers: ClinVar variation 992599 (VCV000992599.7), dbSNP rs2148733237, ClinGen allele CA338620874.